The following is an entry in ClinVar:

ClinVar aggregate classification (germline): Benign/Likely benign. Review status: criteria provided, multiple submitters, no conflicts (2 of 4 stars). 6 submissions from 6 submitters: Benign (2); Likely benign (4). Last evaluated 2025-03-13.

Conditions:
Maturity-onset diabetes of the young type 8 (MODY8). Also called: DIABETES-PANCREATIC EXOCRINE DYSFUNCTION SYNDROME; DIABETES AND PANCREATIC EXOCRINE DYSFUNCTION. Identifiers: Orphanet 552, MedGen C1853297, MONDO:0012348, OMIM 609812.

Allele frequency attached by ClinVar (database versions not stated): 1000 Genomes Project 30x 0.00203; 1000 Genomes Project 0.00240; ESP Exome Variant Server 0.00307; TOPMed 0.00351; gnomAD 0.00392; ExAC 0.00446.
gnomAD v4.1: 8,061 of 1,613,938 alleles (0.5%); highest among the groups gnomAD compares: Middle Eastern, 0.81%; 49 homozygotes.

Submissions (6):

ARUP Laboratories, Molecular Genetics and Genomics, ARUP Laboratories
Classification: Benign for Maturity-onset diabetes of the young type 8. Last evaluated: 2025-03-13. Review status: criteria provided, single submitter. Criteria: ARUP Molecular Germline Variant Investigation Process 2024. Collection method: clinical testing. Allele origin: germline.

CeGaT Center for Human Genetics Tuebingen
Classification: Likely benign. Last evaluated: 2024-06-01. Review status: criteria provided, single submitter. Criteria: CeGaT Center For Human Genetics Tuebingen Variant Classification Criteria Version 2. Collection method: clinical testing. Allele origin: germline. Affected: yes. Observed: 5 variant alleles.
Comment: CEL: BP4, BP7, BS2

GeneDx
Classification: Likely benign. Last evaluated: 2021-09-29. Review status: criteria provided, single submitter. Criteria: GeneDx Variant Classification Process June 2021. Collection method: clinical testing. Allele origin: germline. Affected: yes.

Fulgent Genetics
Classification: Likely benign for Maturity-onset diabetes of the young type 8. Last evaluated: 2021-09-28. Review status: criteria provided, single submitter. Criteria: ACMG Guidelines, 2015. Collection method: clinical testing. Allele origin: unknown.

Labcorp Genetics (formerly Invitae), Labcorp
Classification: Benign. Last evaluated: 2017-12-29. Review status: criteria provided, single submitter. Criteria: Invitae Variant Classification Sherloc (09022015). Collection method: clinical testing. Allele origin: germline.

Breakthrough Genomics
Classification: Likely benign. Review status: criteria provided, single submitter. Criteria: ACMG Guidelines, 2015. Collection method: not provided. Allele origin: germline. Inheritance: Autosomal dominant inheritance. Affected: yes.

NM_001807.6(CEL):c.402C>G (p.Gly134=)

Gene: CEL (carboxyl ester lipase; plus strand). Cytogenetic location: 9q34.13.
Variant type: single nucleotide variant.
Coding change: c.402C>G on transcript NM_001807.6 (MANE Select); coding-DNA position 402, C replaced by G.
Protein change: p.Gly134=; no amino-acid change (glycine 134 retained).
Molecular consequence: synonymous variant.
Genome position (GRCh38, 1-based): chr9:133,065,101, C>G. VCF-style: chr9-133065101-C-G. GRCh37 (hg19) VCF-style: chr9-135940488-C-G.
Identifiers: ClinVar variation 713280 (VCV000713280.42), dbSNP rs150358550, ClinGen allele CA5302990.